The following is an entry in ClinVar:

ClinVar aggregate classification (germline): Conflicting classifications of pathogenicity. Review status: criteria provided, conflicting classifications (1 of 4 stars). 2 submissions from 2 submitters: Likely pathogenic (1); Uncertain significance (1). Last evaluated 2019-12-16.

Conditions:
Ehlers-Danlos syndrome, classic type (cEDS). Identifiers: Orphanet 287, MedGen C4225429, MONDO:0007522.

Submissions (2):

Labcorp Genetics (formerly Invitae), Labcorp
Classification: Uncertain significance for Ehlers-Danlos syndrome, type 1. Last evaluated: 2019-12-16. Review status: criteria provided, single submitter. Criteria: Invitae Variant Classification Sherloc (09022015). Collection method: clinical testing. Allele origin: germline.
Comment: This sequence change results in a premature translational stop signal in the COL5A1 gene (p.Gln1825*). While this is not anticipated to result in nonsense mediated decay, it is expected to disrupt the last 14 amino acids of the COL5A1 protein. This variant is not present in population databases (ExAC no frequency). This variant has not been reported in the literature in individuals with COL5A1-related conditions. ClinVar contains an entry for this variant (Variation ID: 372825). Experimental studies and prediction algorithms are not available or were not evaluated, and the functional significance of this variant is currently unknown. This variant disrupts a region of the protein in which other variant(s) (p.Cys1835Ser) have been observed in individuals with COL5A1-related conditions (PMID: 19370768, Invitae). This suggests that this may be a clinically significant region of the COL5A1 protein. In summary, the available evidence is currently insufficient to determine the role of this variant in disease. Therefore, it has been classified as a Variant of Uncertain Significance.

GeneDx
Classification: Likely pathogenic. Last evaluated: 2015-12-07. Review status: criteria provided, single submitter. Criteria: GeneDx Variant Classification (06012015). Collection method: clinical testing. Allele origin: germline. Affected: yes.
Comment: The Q1825X variant in the COL5A1 gene has not been reported previously as a pathogenic variant nor as a benign variant, to our knowledge. This variant is predicted to cause loss of normal protein function through protein truncation. The Q1825X variant was not observed in approximately 6500 individuals of European and African American ancestry in the NHLBI Exome Sequencing Project, indicating it is not a common benign variant in these populations. The Q1825X variant is a strong candidate for a pathogenic variant, however the possibility it may be a rare benign variant cannot be excluded.

Literature cited by the submitters: PubMed 19370768 (cited by Labcorp Genetics (formerly Invitae), Labcorp).

NM_000093.5(COL5A1):c.5473C>T (p.Gln1825Ter)

Genes: COL5A1 (collagen type V alpha 1 chain; plus strand), LOC101448202 (uncharacterized LOC101448202; minus strand). Cytogenetic location: 9q34.3.
Variant type: single nucleotide variant.
Coding change: c.5473C>T on transcript NM_000093.5 (MANE Select); coding-DNA position 5473, C replaced by T.
Protein change: p.Gln1825Ter; replaces glutamine 1825 with a stop codon.
Molecular consequence: nonsense.
Genome position (GRCh38, 1-based): chr9:134,842,259, C>T. VCF-style: chr9-134842259-C-T. GRCh37 (hg19) VCF-style: chr9-137734105-C-T.
Other names: c.5473C>T, p.Gln1825Ter (NM_001278074.1); short protein forms Q1825*.
Identifiers: ClinVar variation 372825 (VCV000372825.5), dbSNP rs1057518004, ClinGen allele CA16042686.
Genomic context (GRCh38, chr9:134,842,259, plus strand): 5'-CCCAAAGTGGAGCAGGTGCCCATCGTGGACATCATGTTCAATGACTTCGGTGAAGCGTCA[C>T]AGAAATTTGGATTTGAAGTGGGGCCGGCTTGCTTCATGGGCTAGGAGCCGCCGAGCCCGG-3'